The following is an entry in ClinVar:

NC_000006.11:g.(?_75833026)_(75912508_?)del

Gene: COL12A1 (collagen type XII alpha 1 chain; minus strand). Cytogenetic location: 6q13-14.1.
Variant type: Deletion.
Identifiers: ClinVar variation 1459613 (VCV001459613.6).

ClinVar aggregate classification (germline): Pathogenic (1 of 4 stars; one submission).

Conditions:
Bethlem myopathy 2 (BTHLM2). Identifiers: Orphanet 536516, Orphanet 610, MedGen C4225313, MONDO:0034022, OMIM 616471.
Ullrich congenital muscular dystrophy 2 (UCMD2). Identifiers: Orphanet 75840, MedGen C4225314, MONDO:0014654, OMIM 616470.

Submission:

Labcorp Genetics (formerly Invitae), Labcorp
Classification: Pathogenic for Bethlem myopathy 2; Ullrich congenital muscular dystrophy 2. Last evaluated: 2021-10-05. Review status: criteria provided, single submitter. Criteria: Invitae Variant Classification Sherloc (09022015). Collection method: clinical testing. Allele origin: germline.
Comment: For these reasons, this variant has been classified as Pathogenic. This variant has not been reported in the literature in individuals with COL12A1-related conditions. This variant is a gross deletion of the genomic region encompassing exon(s) 2-43 of the COL12A1 gene, which includes the initiator codon. The 5' end of this event is unknown as it extends beyond the assayed region for this gene and therefore may encompass additional genes. The 3' boundary is likely confined to intron 43 of the COL12A1 gene. It is expected to result in an absent or disrupted protein product. Loss-of-function variants in COL12A1 are known to be pathogenic (PMID: 24334604, 28973083).

Literature cited by the submitters: PubMed 24334604; PubMed 28973083.